The following is an entry in ClinVar:

NM_000535.7(PMS2):c.411T>G (p.Phe137Leu)

Gene: PMS2 (PMS1 homolog 2, mismatch repair system component; minus strand). Cytogenetic location: 7p22.1.
Variant type: single nucleotide variant.
Coding change: c.411T>G on transcript NM_000535.7 (MANE Select); coding-DNA position 411, T replaced by G.
Protein change: p.Phe137Leu; replaces phenylalanine 137 with leucine.
Molecular consequence: missense variant. On other transcripts: 5 prime UTR variant (2), non-coding transcript variant (1), intron variant (1).
Genome position (GRCh38, 1-based): chr7:6,002,579, A>C on the plus strand (T>G on the coding strand, the complement: PMS2 is on the minus strand). VCF-style: chr7-6002579-A-C. GRCh37 (hg19) VCF-style: chr7-6042210-A-C.
Other names: c.6T>G, p.Phe2Leu (NM_001406893.1, NM_001406894.1, NM_001406895.1 and 24 more transcripts); c.93T>G, p.Phe31Leu (NM_001406901.1, NM_001322007.2, NM_001322008.2 and 4 more transcripts); c.102T>G, p.Phe34Leu (NM_001406900.1, NM_001322015.2, NM_001406875.1 and 6 more transcripts); c.411T>G, p.Phe137Leu (NM_001322006.2, NM_001322014.2, NM_001406869.1 and 8 more transcripts); c.-474T>G (NM_001322011.2, NM_001322012.2); c.597T>G, p.Phe199Leu (NM_001406866.1); c.435T>G, p.Phe145Leu (NM_001406868.1); c.250+1393T>G (NM_001406885.1); short protein forms F145L, F2L, F199L, F31L, F34L, F137L.
Identifiers: ClinVar variation 3421499 (VCV003421499.1).
Genomic context (GRCh38, chr7:6,002,579, plus strand): 5'-GACTGTGGTCCCTCTGGGGCGGGGGTAGGGGGTTTTCTGGATAATTTTCCCATTGTGATC[A>C]AACATCAGTCGAGTTCCAACCTTCGCCGATGCGTGGCAGGTAGAAATGGTGACATCGCTG-3'
Protein context (NP_000526.2, residues 127-147): ASAKVGTRLM[Phe137Leu]DHNGKIIQKT

ClinVar aggregate classification (germline): Uncertain significance (1 of 4 stars; one submission).

Conditions:
Hereditary cancer-predisposing syndrome. Also called: Neoplastic Syndromes, Hereditary; Tumor predisposition; Hereditary Cancer Syndrome; Hereditary neoplastic syndrome. Identifiers: Orphanet 140162, MedGen C0027672, MeSH D009386, MONDO:0015356.

Submission:

Ambry Genetics
Classification: Uncertain significance for Hereditary cancer-predisposing syndrome. Last evaluated: 2024-09-02. Review status: criteria provided, single submitter. Criteria: Ambry Variant Classification Scheme 2023. Collection method: clinical testing. Allele origin: germline.
Comment: The p.F137L variant (also known as c.411T>G), located in coding exon 5 of the PMS2 gene, results from a T to G substitution at nucleotide position 411. The phenylalanine at codon 137 is replaced by leucine, an amino acid with highly similar properties. This amino acid position is conserved. In addition, the in silico prediction for this alteration is inconclusive. Based on the available evidence, the clinical significance of this variant remains unclear.